The following is an entry in ClinVar:

ClinVar aggregate classification (germline): Uncertain significance (1 of 4 stars; one submission).

Allele frequency attached by ClinVar (database versions not stated): gnomAD exomes below 0.00001; gnomAD 0.00001; TOPMed 0.00001.
gnomAD v4.1: 4 of 1,613,216 alleles (0.00025%); highest among the groups gnomAD compares: Non-Finnish European, 0.00034%; no homozygotes.

Submission:

Labcorp Genetics (formerly Invitae), Labcorp
Classification: Uncertain significance. Last evaluated: 2023-06-15. Review status: criteria provided, single submitter. Criteria: Invitae Variant Classification Sherloc (09022015). Collection method: clinical testing. Allele origin: germline.
Comment: In summary, the available evidence is currently insufficient to determine the role of this variant in disease. Therefore, it has been classified as a Variant of Uncertain Significance. An algorithm developed to predict the effect of missense changes on protein structure and function (PolyPhen-2) suggests that this variant is likely to be disruptive. This variant has not been reported in the literature in individuals affected with COL4A1-related conditions. This variant is not present in population databases (gnomAD no frequency). This sequence change replaces serine, which is neutral and polar, with asparagine, which is neutral and polar, at codon 1077 of the COL4A1 protein (p.Ser1077Asn).

NM_001845.6(COL4A1):c.3230G>A (p.Ser1077Asn)

Gene: COL4A1 (collagen type IV alpha 1 chain; minus strand). Cytogenetic location: 13q34.
Variant type: single nucleotide variant.
Coding change: c.3230G>A on transcript NM_001845.6 (MANE Select); coding-DNA position 3230, G replaced by A.
Protein change: p.Ser1077Asn; replaces serine 1077 with asparagine.
Molecular consequence: missense variant.
Genome position (GRCh38, 1-based): chr13:110,174,718, C>T on the plus strand (G>A on the coding strand, the complement: COL4A1 is on the minus strand). VCF-style: chr13-110174718-C-T. GRCh37 (hg19) VCF-style: chr13-110827065-C-T.
Other names: short protein forms S1077N.
Identifiers: ClinVar variation 2859304 (VCV002859304.3), dbSNP rs1177433437, ClinGen allele CA388664698.